The following is an entry in ClinVar:

ClinVar aggregate classification (germline): Uncertain significance (1 of 4 stars; one submission).

Conditions:
Primary ciliary dyskinesia. Also called: Ciliary dyskinesia. Identifiers: Orphanet 244, MedGen C0008780, MONDO:0016575, HP:0012265.

gnomAD v4.1: 2 of 1,510,450 alleles (0.00013%); highest among the groups gnomAD compares: Non-Finnish European, 0.00018%; no homozygotes.

Submission:

Labcorp Genetics (formerly Invitae), Labcorp
Classification: Uncertain significance for Primary ciliary dyskinesia. Last evaluated: 2026-01-06. Review status: criteria provided, single submitter. Criteria: Invitae Variant Classification Sherloc (09022015). Collection method: clinical testing. Allele origin: germline.
Comment: This sequence change replaces aspartic acid, which is acidic and polar, with tyrosine, which is neutral and polar, at codon 2010 of the DNAH8 protein (p.Asp2010Tyr). This variant is not present in population databases (gnomAD no frequency). This variant has not been reported in the literature in individuals affected with DNAH8-related conditions. Invitae Evidence Modeling of protein sequence and biophysical properties (such as structural, functional, and spatial information, amino acid conservation, physicochemical variation, residue mobility, and thermodynamic stability) indicates that this missense variant is not expected to disrupt DNAH8 protein function with a negative predictive value of 80%. Algorithms developed to predict the effect of sequence changes on RNA splicing suggest that this variant may disrupt the consensus splice site. In summary, the available evidence is currently insufficient to determine the role of this variant in disease. Therefore, it has been classified as a Variant of Uncertain Significance.

NM_001206927.2(DNAH8):c.6028G>T (p.Asp2010Tyr)

Gene: DNAH8 (dynein axonemal heavy chain 8; plus strand). Cytogenetic location: 6p21.2.
Variant type: single nucleotide variant.
Coding change: c.6028G>T on transcript NM_001206927.2 (MANE Select); coding-DNA position 6028, G replaced by T.
Protein change: p.Asp2010Tyr; replaces aspartic acid 2010 with tyrosine.
Molecular consequence: missense variant.
Genome position (GRCh38, 1-based): chr6:38,860,526, G>T. VCF-style: chr6-38860526-G-T. GRCh37 (hg19) VCF-style: chr6-38828302-G-T.
Other names: c.5377G>T, p.Asp1793Tyr (NM_001371.4); short protein forms D2010Y, D1793Y.
Identifiers: ClinVar variation 4772249 (VCV004772249.1).